The following is an entry in ClinVar:

NM_000143.4(FH):c.13C>G (p.Leu5Val)

Gene: FH (fumarate hydratase; minus strand). Cytogenetic location: 1q43.
Variant type: single nucleotide variant.
Coding change: c.13C>G on transcript NM_000143.4 (MANE Select); coding-DNA position 13, C replaced by G.
Protein change: p.Leu5Val; replaces leucine 5 with valine.
Molecular consequence: missense variant.
Genome position (GRCh38, 1-based): chr1:241,519,710, G>C on the plus strand (C>G on the coding strand, the complement: FH is on the minus strand). VCF-style: chr1-241519710-G-C. GRCh37 (hg19) VCF-style: chr1-241683010-G-C.
Other names: short protein forms L5V.
Identifiers: ClinVar variation 960229 (VCV000960229.10), dbSNP rs1553342165, ClinGen allele CA345443090.

ClinVar aggregate classification (germline): Uncertain significance (1 of 4 stars; one submission).

Submission:

Labcorp Genetics (formerly Invitae), Labcorp
Classification: Uncertain significance. Last evaluated: 2022-10-13. Review status: criteria provided, single submitter. Criteria: Invitae Variant Classification Sherloc (09022015). Collection method: clinical testing. Allele origin: germline.
Comment: This variant is not present in population databases (gnomAD no frequency). This sequence change replaces leucine, which is neutral and non-polar, with valine, which is neutral and non-polar, at codon 5 of the FH protein (p.Leu5Val). This variant has not been reported in the literature in individuals affected with FH-related conditions. In summary, the available evidence is currently insufficient to determine the role of this variant in disease. Therefore, it has been classified as a Variant of Uncertain Significance. Advanced modeling of protein sequence and biophysical properties (such as structural, functional, and spatial information, amino acid conservation, physicochemical variation, residue mobility, and thermodynamic stability) performed at Invitae indicates that this missense variant is not expected to disrupt FH protein function. ClinVar contains an entry for this variant (Variation ID: 960229).